The following is an entry in ClinVar:

ClinVar aggregate classification (germline): Uncertain significance (1 of 4 stars; one submission).

Allele frequency attached by ClinVar (database versions not stated): gnomAD exomes 0.00001; gnomAD 0.00002; TOPMed 0.00002.
gnomAD v4.1: 11 of 1,614,090 alleles (0.00068%); highest among the groups gnomAD compares: African/African-American, 0.0013%; no homozygotes.

Submission:

Labcorp Genetics (formerly Invitae), Labcorp
Classification: Uncertain significance. Last evaluated: 2022-11-28. Review status: criteria provided, single submitter. Criteria: Invitae Variant Classification Sherloc (09022015). Collection method: clinical testing. Allele origin: germline.
Comment: Advanced modeling of protein sequence and biophysical properties (such as structural, functional, and spatial information, amino acid conservation, physicochemical variation, residue mobility, and thermodynamic stability) performed at Invitae indicates that this missense variant is expected to disrupt FERMT1 protein function. In summary, the available evidence is currently insufficient to determine the role of this variant in disease. Therefore, it has been classified as a Variant of Uncertain Significance. This variant has not been reported in the literature in individuals affected with FERMT1-related conditions. This variant is present in population databases (no rsID available, gnomAD 0.0009%). This sequence change replaces isoleucine, which is neutral and non-polar, with threonine, which is neutral and polar, at codon 647 of the FERMT1 protein (p.Ile647Thr).

NM_017671.5(FERMT1):c.1940T>C (p.Ile647Thr)

Gene: FERMT1 (FERM domain containing kindlin 1; minus strand). Cytogenetic location: 20p12.3.
Variant type: single nucleotide variant.
Coding change: c.1940T>C on transcript NM_017671.5 (MANE Select); coding-DNA position 1940, T replaced by C.
Protein change: p.Ile647Thr; replaces isoleucine 647 with threonine.
Molecular consequence: missense variant.
Genome position (GRCh38, 1-based): chr20:6,077,267, A>G on the plus strand (T>C on the coding strand, the complement: FERMT1 is on the minus strand). VCF-style: chr20-6077267-A-G. GRCh37 (hg19) VCF-style: chr20-6057914-A-G.
Other names: short protein forms I647T.
Identifiers: ClinVar variation 1912786 (VCV001912786.3), dbSNP rs998049821, ClinGen allele CA311210518.
Genomic context (GRCh38, chr20:6,077,267, plus strand): 5'-TCCTCATCGAGTGTTTCATTCTGGTCCTTGGAGCGGGTGGACAAGAAAATGTAGCCGCCA[A>G]TGTACTCGTGCACAATCTTGCAATCTGCACTCAGGCAGGTGAAAGCAGTAAAGACGTTTT-3'
Protein context (NP_060141.3, residues 637-657): SADCKIVHEY[Ile647Thr]GGYIFLSTRS